The following is an entry in ClinVar:

NM_001379403.1(WDR26):c.1315A>G (p.Ser439Gly)

Gene: WDR26 (WD repeat domain 26; minus strand). Cytogenetic location: 1q42.12.
Variant type: single nucleotide variant.
Coding change: c.1315A>G on transcript NM_001379403.1 (MANE Select); coding-DNA position 1315, A replaced by G.
Protein change: p.Ser439Gly; replaces serine 439 with glycine.
Molecular consequence: missense variant.
Genome position (GRCh38, 1-based): chr1:224,418,264, T>C on the plus strand (A>G on the coding strand, the complement: WDR26 is on the minus strand). VCF-style: chr1-224418264-T-C. GRCh37 (hg19) VCF-style: chr1-224605966-T-C.
Other names: c.967A>G, p.Ser323Gly (NM_001115113.3); c.1015A>G, p.Ser339Gly (NM_025160.7); short protein forms S323G, S339G, S439G.
Identifiers: ClinVar variation 4855708 (VCV004855708.1).

ClinVar aggregate classification (germline): Uncertain significance (1 of 4 stars; one submission).

Conditions:
Skraban-Deardorff syndrome. Also called: INTELLECTUAL DISABILITY WITH SEIZURES, ABNORMAL GAIT, AND DISTINCTIVE FACIAL FEATURES; WDR26-Related Intellectual Disability. Identifiers: Orphanet 513456, MedGen C4539927, MONDO:0054636, OMIM 617616.

Submission:

3billion
Classification: Uncertain significance for Skraban-Deardorff syndrome. Last evaluated: 2025-05-22. Review status: criteria provided, single submitter. Criteria: ACMG Guidelines, 2015. Collection method: clinical testing. Allele origin: germline. Affected: yes.
Comment: The variant is not observed in the gnomAD v4.1.0 dataset. Predicted Consequence/Location: Missense variant In silico tool predictions suggest damaging effect of the variant on gene or gene product [3Cnet: 0.86 (> 0.75, sensitivity 0.96 and precision 0.92)]. Different missense changes at the same codon have been reported as of uncertain significance (ClinVar ID: VCV000931463). Therefore, this variant is classified as VUS according to the recommendation of ACMG/AMP guideline.